The following is an entry in ClinVar:

NM_007078.3(LDB3):c.1322C>G (p.Pro441Arg)

Gene: LDB3 (LIM domain binding 3; plus strand). Cytogenetic location: 10q23.2.
Variant type: single nucleotide variant.
Coding change: c.1322C>G on transcript NM_007078.3 (MANE Select); coding-DNA position 1322, C replaced by G.
Protein change: p.Pro441Arg; replaces proline 441 with arginine.
Molecular consequence: missense variant.
Genome position (GRCh38, 1-based): chr10:86,716,417, C>G. VCF-style: chr10-86716417-C-G. GRCh37 (hg19) VCF-style: chr10-88476174-C-G.
Other names: c.992C>G, p.Pro331Arg (NM_001080114.2); c.1337C>G, p.Pro446Arg (NM_001171610.2); c.1133C>G, p.Pro378Arg (NM_001368064.1, NM_001368065.1); c.1181C>G, p.Pro394Arg (NM_001368066.1); short protein forms P378R, P441R, P331R, P394R, P446R.
Identifiers: ClinVar variation 4744840 (VCV004744840.1).

ClinVar aggregate classification (germline): Uncertain significance (1 of 4 stars; one submission).

Conditions:
Myofibrillar myopathy 4. Also called: Zaspopathy (type). Identifiers: Orphanet 98912, MedGen C4721886, MONDO:0012277, OMIM 609452.

gnomAD v4.1: 21 of 1,551,204 alleles (0.0014%); highest among the groups gnomAD compares: Non-Finnish European, 0.0017%; no homozygotes.

Submission:

Labcorp Genetics (formerly Invitae), Labcorp
Classification: Uncertain significance for Myofibrillar myopathy 4. Last evaluated: 2025-02-21. Review status: criteria provided, single submitter. Criteria: Invitae Variant Classification Sherloc (09022015). Collection method: clinical testing. Allele origin: germline.
Comment: The LDB3 gene has multiple clinically relevant transcripts. This variant occurs in alternate transcript NM_007078.3, and corresponds to NM_001080116.1:c.*17043C>G in the primary transcript. This sequence change replaces proline, which is neutral and non-polar, with arginine, which is basic and polar, at codon 441 of the LDB3 protein (p.Pro441Arg). The frequency data for this variant in the population databases is considered unreliable, as metrics indicate poor data quality at this position in the gnomAD database. This variant has not been reported in the literature in individuals affected with LDB3-related conditions. Experimental studies and prediction algorithms are not available or were not evaluated, and the functional significance of this variant is currently unknown. In summary, the available evidence is currently insufficient to determine the role of this variant in disease. Therefore, it has been classified as a Variant of Uncertain Significance.